The following is an entry in ClinVar:

ClinVar aggregate classification (germline): Uncertain significance (1 of 4 stars; one submission).

Conditions:
Bethlem myopathy 1A. Also called: MYOPATHY, BENIGN CONGENITAL, WITH CONTRACTURES; Bethlem Muscular Dystrophy; Bethlem myopathy 1. Identifiers: Orphanet 610, MedGen CN029274, MONDO:0024530, OMIM 158810.

Submission:

Labcorp Genetics (formerly Invitae), Labcorp
Classification: Uncertain significance for Bethlem myopathy 1A. Last evaluated: 2021-05-19. Review status: criteria provided, single submitter. Criteria: Invitae Variant Classification Sherloc (09022015). Collection method: clinical testing. Allele origin: germline.
Comment: In summary, the available evidence is currently insufficient to determine the role of this variant in disease. Therefore, it has been classified as a Variant of Uncertain Significance. This sequence change replaces arginine with histidine at codon 993 of the COL6A2 protein (p.Arg993His). The arginine residue is moderately conserved and there is a small physicochemical difference between arginine and histidine. The frequency data for this variant in the population databases is not available, as this variant may be reported as separate entries in the ExAC database. This variant has not been reported in the literature in individuals with COL6A2-related conditions. Algorithms developed to predict the effect of missense changes on protein structure and function are either unavailable or do not agree on the potential impact of this missense change (SIFT: "Not Available"; PolyPhen-2: "Possibly Damaging"; Align-GVGD: "Not Available").

NM_001849.4(COL6A2):c.2978_2979delinsAT (p.Arg993His)

Gene: COL6A2 (collagen type VI alpha 2 chain; plus strand). Cytogenetic location: 21q22.3.
Variant type: Indel.
Coding change: c.2978_2979delinsAT on transcript NM_001849.4 (MANE Select); coding-DNA positions 2978 to 2979, GC replaced by AT.
Protein change: p.Arg993His; replaces arginine 993 with histidine.
Molecular consequence: missense variant.
Genome position (GRCh38, 1-based): chr21:46,132,470-46,132,471, GC replaced by AT. VCF-style: chr21-46132470-GC-AT. GRCh37 (hg19) VCF-style: chr21-47552384-GC-AT.
Other names: short protein forms R993H.
Identifiers: ClinVar variation 1433398 (VCV001433398.6), dbSNP rs2123456038, ClinGen allele CA2573157660.